The following is an entry in ClinVar:

ClinVar aggregate classification (germline): Uncertain significance. Review status: criteria provided, multiple submitters, no conflicts (2 of 4 stars). 4 submissions from 4 submitters: Uncertain significance (4). Last evaluated 2025-11-20.

Conditions:
Familial adenomatous polyposis 3. Also called: NTHL1-associated polyposis; NTHL1 Tumor Syndrome; NTHL1-related attenuated familial adenomatous polyposis; NTHL1-Related Adenomatous Polyposis and Colorectal Cancer. Identifiers: Orphanet 220460, Orphanet 454840, MedGen C4225157, MONDO:0014630, OMIM 616415.
Hereditary cancer-predisposing syndrome. Also called: Hereditary Cancer Syndrome; Neoplastic Syndromes, Hereditary; Tumor predisposition; Hereditary neoplastic syndrome. Identifiers: Orphanet 140162, MedGen C0027672, MeSH D009386, MONDO:0015356.

Allele frequency attached by ClinVar (database versions not stated): gnomAD exomes 0.00001.
gnomAD v4.1: 9 of 1,613,182 alleles (0.00056%); highest among the groups gnomAD compares: Non-Finnish European, 0.00076%; no homozygotes.

Submissions (4):

Labcorp Genetics (formerly Invitae), Labcorp
Classification: Uncertain significance. Last evaluated: 2025-11-20. Review status: criteria provided, single submitter. Criteria: Invitae Variant Classification Sherloc (09022015). Collection method: clinical testing. Allele origin: germline.
Comment: This sequence change replaces glutamic acid, which is acidic and polar, with lysine, which is basic and polar, at codon 116 of the NTHL1 protein (p.Glu116Lys). This variant is not present in population databases (gnomAD no frequency). This variant has not been reported in the literature in individuals affected with NTHL1-related conditions. ClinVar contains an entry for this variant (Variation ID: 823809). An algorithm developed to predict the effect of missense changes on protein structure and function (PolyPhen-2) suggests that this variant is likely to be tolerated. In summary, the available evidence is currently insufficient to determine the role of this variant in disease. Therefore, it has been classified as a Variant of Uncertain Significance.

Dasa
Classification: Uncertain significance. Last evaluated: 2025-01-27. Review status: criteria provided, single submitter. Criteria: DASA Assertion Criteria. Collection method: clinical testing. Allele origin: germline.
Comment: NM_002528.7(NTHL1):c.322G>A (p.Glu108Lys) is a missense variant that results in the substitution of glutamic acid with lysine. This variant is rare in population databases. The currently available literature and clinical evidence are not sufficient to establish a definitive association between this variant and the reported condition. Therefore, this variant is classified as a variant of uncertain significance.

Ambry Genetics
Classification: Uncertain significance for Hereditary cancer-predisposing syndrome. Last evaluated: 2024-08-31. Review status: criteria provided, single submitter. Criteria: Ambry Variant Classification Scheme 2023. Collection method: clinical testing. Allele origin: germline.
Comment: The p.E116K variant (also known as c.346G>A), located in coding exon 2 of the NTHL1 gene, results from a G to A substitution at nucleotide position 346. The glutamic acid at codon 116 is replaced by lysine, an amino acid with similar properties. This amino acid position is not well conserved in available vertebrate species. In addition, the in silico prediction for this alteration is inconclusive. Since supporting evidence is limited at this time, the clinical significance of this alteration remains unclear.

Baylor Genetics
Classification: Uncertain significance for Familial adenomatous polyposis 3. Last evaluated: 2023-05-26. Review status: criteria provided, single submitter. Criteria: ACMG Guidelines, 2015. Collection method: clinical testing. Allele origin: unknown.

NM_002528.7(NTHL1):c.322G>A (p.Glu108Lys)

Gene: NTHL1 (nth like DNA glycosylase 1; minus strand). Cytogenetic location: 16p13.3.
Variant type: single nucleotide variant.
Coding change: c.322G>A on transcript NM_002528.7 (MANE Select); coding-DNA position 322, G replaced by A.
Protein change: p.Glu108Lys; replaces glutamic acid 108 with lysine.
Molecular consequence: missense variant. On other transcripts: intron variant (1).
Genome position (GRCh38, 1-based): chr16:2,046,160, C>T on the plus strand (G>A on the coding strand, the complement: NTHL1 is on the minus strand). VCF-style: chr16-2046160-C-T. GRCh37 (hg19) VCF-style: chr16-2096161-C-T.
Other names: c.322G>A, p.Glu108Lys (NM_001318193.2); c.24+120G>A (NM_001318194.2); short protein forms E108K.
Identifiers: ClinVar variation 823809 (VCV000823809.15), dbSNP rs1596222596, ClinGen allele CA394295281.